The following is an entry in ClinVar:

ClinVar aggregate classification (germline): Likely pathogenic (1 of 4 stars; one submission).

Submission:

Labcorp Genetics (formerly Invitae), Labcorp
Classification: Likely pathogenic. Last evaluated: 2023-11-05. Review status: criteria provided, single submitter. Criteria: Invitae Variant Classification Sherloc (09022015). Collection method: clinical testing. Allele origin: unknown.
Comment: This variant results in a copy number gain of the genomic region encompassing exon(s) 20-26 of the ABCA3 gene. While the exact position of this variant cannot be determined from the data, sub-genic copy number gains are generally in tandem (PMID: 25640679). This variant is predicted to be out-of-frame, and may result in an absent or disrupted protein product. Loss-of-function variants in ABCA3 are known to be pathogenic (PMID: 27516224). This variant has not been reported in the literature in individuals affected with ABCA3-related conditions. In summary, the currently available evidence indicates that the variant is pathogenic, but additional data are needed to prove that conclusively. Therefore, this variant has been classified as Likely Pathogenic.

Literature cited by the submitters: PubMed 25640679; PubMed 27516224.

NC_000016.9:g.(?_2333167)_(2339641_?)dup

Gene: ABCA3 (ATP binding cassette subfamily A member 3; minus strand). Cytogenetic location: 16p13.3.
Variant type: Duplication.
Identifiers: ClinVar variation 3243612 (VCV003243612.1).